The following is an entry in ClinVar:

NM_024665.7(TBL1XR1):c.1122+5T>C

Genes: TBL1XR1 (TBL1X/Y related 1; minus strand), TBL1XR1-AS1 (TBL1XR1 antisense RNA 1; plus strand), LOC126806878 (CDK7 strongly-dependent group 2 enhancer GRCh37_chr3:176755168-176756367; plus strand). Cytogenetic location: 3q26.32.
Variant type: single nucleotide variant.
Coding change: c.1122+5T>C on transcript NM_024665.7 (MANE Select); 5 bases into the intron after coding-DNA position 1122, T replaced by C.
Molecular consequence: intron variant.
Genome position (GRCh38, 1-based): chr3:177,038,093, A>G on the plus strand (T>C on the coding strand, the complement: TBL1XR1 is on the minus strand). VCF-style: chr3-177038093-A-G. GRCh37 (hg19) VCF-style: chr3-176755881-A-G.
Other names: c.1122+5T>C (NM_001374327.1, NM_001321194.3, NM_001321193.3 and 2 more transcripts); c.861+5T>C (NM_001374330.1, NM_001321195.3).
Identifiers: ClinVar variation 2785014 (VCV002785014.3), dbSNP rs1012528342, ClinGen allele CA89087851.

ClinVar aggregate classification (germline): Uncertain significance (1 of 4 stars; one submission).

Conditions:
Pierpont syndrome (PRPTS). Identifiers: Orphanet 487825, MedGen C1865644, MONDO:0011213, OMIM 602342.

Allele frequency attached by ClinVar (database versions not stated): TOPMed 0.00001.

Submission:

Labcorp Genetics (formerly Invitae), Labcorp
Classification: Uncertain significance for Pierpont syndrome. Last evaluated: 2023-05-30. Review status: criteria provided, single submitter. Criteria: Invitae Variant Classification Sherloc (09022015). Collection method: clinical testing. Allele origin: germline.
Comment: In summary, the available evidence is currently insufficient to determine the role of this variant in disease. Therefore, it has been classified as a Variant of Uncertain Significance. Variants that disrupt the consensus splice site are a relatively common cause of aberrant splicing (PMID: 17576681, 9536098). Algorithms developed to predict the effect of sequence changes on RNA splicing suggest that this variant is not likely to affect RNA splicing. This variant has not been reported in the literature in individuals affected with TBL1XR1-related conditions. This variant is not present in population databases (gnomAD no frequency). This sequence change falls in intron 12 of the TBL1XR1 gene. It does not directly change the encoded amino acid sequence of the TBL1XR1 protein. It affects a nucleotide within the consensus splice site.

Literature cited by the submitters: PubMed 17576681; PubMed 9536098.